The following is an entry in ClinVar:

NM_145290.4(ADGRA3):c.607A>G (p.Lys203Glu)

Gene: ADGRA3 (adhesion G protein-coupled receptor A3; minus strand). Cytogenetic location: 4p15.2.
Variant type: single nucleotide variant.
Coding change: c.607A>G on transcript NM_145290.4 (MANE Select); coding-DNA position 607, A replaced by G.
Protein change: p.Lys203Glu; replaces lysine 203 with glutamic acid.
Molecular consequence: missense variant.
Genome position (GRCh38, 1-based): chr4:22,445,072, T>C on the plus strand (A>G on the coding strand, the complement: ADGRA3 is on the minus strand). VCF-style: chr4-22445072-T-C. GRCh37 (hg19) VCF-style: chr4-22446695-T-C.
Other names: short protein forms K203E.
Identifiers: ClinVar variation 1918436 (VCV001918436.5), dbSNP rs2474800723, ClinGen allele CA356478446.

ClinVar aggregate classification (germline): Uncertain significance (1 of 4 stars; one submission).

Allele frequency attached by ClinVar (database versions not stated): gnomAD exomes below 0.00001.
gnomAD v4.1: 7 of 1,613,966 alleles (0.00043%); highest among the groups gnomAD compares: Admixed American, 0.0083%; no homozygotes.

Submission:

Labcorp Genetics (formerly Invitae), Labcorp
Classification: Uncertain significance. Last evaluated: 2025-05-08. Review status: criteria provided, single submitter. Criteria: Invitae Variant Classification Sherloc (09022015). Collection method: clinical testing. Allele origin: germline.
Comment: This sequence change replaces lysine, which is basic and polar, with glutamic acid, which is acidic and polar, at codon 203 of the ADGRA3 protein (p.Lys203Glu). This variant is not present in population databases (gnomAD no frequency). This variant has not been reported in the literature in individuals affected with ADGRA3-related conditions. ClinVar contains an entry for this variant (Variation ID: 1918436). An algorithm developed to predict the effect of missense changes on protein structure and function (PolyPhen-2) suggests that this variant is likely to be tolerated. In summary, the available evidence is currently insufficient to determine the role of this variant in disease. Therefore, it has been classified as a Variant of Uncertain Significance.